The following is an entry in ClinVar:

ClinVar aggregate classification (germline): Uncertain significance (1 of 4 stars; one submission).

Conditions:
Familial sleep-related hypermotor epilepsy. Also called: Autosomal Dominant Sleep-Related Hypermotor (Hyperkinetic) Epilepsy. Identifiers: Orphanet 98784, MedGen C3696898, MONDO:0000030.

Submission:

Labcorp Genetics (formerly Invitae), Labcorp
Classification: Uncertain significance. Last evaluated: 2023-10-29. Review status: criteria provided, single submitter. Criteria: Invitae Variant Classification Sherloc (09022015). Collection method: clinical testing. Allele origin: germline.
Comment: This sequence change falls in intron 5 of the CHRNA4 gene. It does not directly change the encoded amino acid sequence of the CHRNA4 protein. It affects a nucleotide within the consensus splice site. This variant is not present in population databases (gnomAD no frequency). This variant has not been reported in the literature in individuals affected with CHRNA4-related conditions. Variants that disrupt the consensus splice site are a relatively common cause of aberrant splicing (PMID: 17576681, 9536098). Algorithms developed to predict the effect of sequence changes on RNA splicing suggest that this variant may disrupt the consensus splice site. In summary, the available evidence is currently insufficient to determine the role of this variant in disease. Therefore, it has been classified as a Variant of Uncertain Significance.

Literature cited by the submitters: PubMed 17576681; PubMed 9536098.

NM_000744.7(CHRNA4):c.1758+1G>T

Gene: CHRNA4 (cholinergic receptor nicotinic alpha 4 subunit; minus strand). Cytogenetic location: 20q13.33.
Variant type: single nucleotide variant.
Coding change: c.1758+1G>T on transcript NM_000744.7 (MANE Select); the canonical splice donor site of the intron after coding-DNA position 1758, G replaced by T.
Molecular consequence: splice donor variant.
Genome position (GRCh38, 1-based): chr20:63,349,652, C>A on the plus strand (G>T on the coding strand, the complement: CHRNA4 is on the minus strand). VCF-style: chr20-63349652-C-A. GRCh37 (hg19) VCF-style: chr20-61981004-C-A.
Other names: c.1230+1G>T (NM_001256573.2).
Identifiers: ClinVar variation 2772627 (VCV002772627.3), dbSNP rs201054295, ClinGen allele CA409632070.